The following is an entry in ClinVar:

NM_001377.3(DYNC2H1):c.195+96A>G

Gene: DYNC2H1 (dynein cytoplasmic 2 heavy chain 1; plus strand). Cytogenetic location: 11q22.3.
Variant type: single nucleotide variant.
Coding change: c.195+96A>G on transcript NM_001377.3 (MANE Select); 96 bases into the intron after coding-DNA position 195, A replaced by G.
Molecular consequence: intron variant.
Genome position (GRCh38, 1-based): chr11:103,109,865, A>G. VCF-style: chr11-103109865-A-G. GRCh37 (hg19) VCF-style: chr11-102980594-A-G.
Other names: c.195+96A>G (NM_001080463.2).
Identifiers: ClinVar variation 676692 (VCV000676692.2), dbSNP rs12283022, ClinGen allele CA227396201.

ClinVar aggregate classification (germline): Benign. Review status: criteria provided, multiple submitters, no conflicts (2 of 4 stars). 2 submissions from 2 submitters: Benign (2). Last evaluated 2018-06-14.

Allele frequency attached by ClinVar (database versions not stated): gnomAD exomes 0.00326; gnomAD 0.03372 and 0.03618; TOPMed 0.03840; 1000 Genomes Project 0.03894; 1000 Genomes Project 30x 0.04341.
gnomAD v4.1: 9,074 of 1,301,562 alleles (0.7%); highest among the groups gnomAD compares: African/African-American, 12%; 523 homozygotes.

Submissions (2):

GeneDx
Classification: Benign. Last evaluated: 2018-06-14. Review status: criteria provided, single submitter. Criteria: GeneDx Variant Classification (06012015). Collection method: clinical testing. Allele origin: germline. Affected: yes.
Comment: This variant is considered likely benign or benign based on one or more of the following criteria: it is a conservative change, it occurs at a poorly conserved position in the protein, it is predicted to be benign by multiple in silico algorithms, and/or has population frequency not consistent with disease.

Breakthrough Genomics
Classification: Benign. Review status: criteria provided, single submitter. Criteria: ACMG Guidelines, 2015. Collection method: not provided. Allele origin: germline. Inheritance: Autosomal recessive inheritance. Affected: yes.